The following is an entry in ClinVar:

NM_012082.4(ZFPM2):c.2963A>C (p.Lys988Thr)

Genes: ZFPM2 (zinc finger protein, FOG family member 2; plus strand), ZFPM2-AS1 (ZFPM2 antisense RNA 1; minus strand), LOC126860469 (BRD4-independent group 4 enhancer GRCh37_chr8:106814445-106815644; plus strand). Cytogenetic location: 8q23.1.
Variant type: single nucleotide variant.
Coding change: c.2963A>C on transcript NM_012082.4 (MANE Select); coding-DNA position 2963, A replaced by C.
Protein change: p.Lys988Thr; replaces lysine 988 with threonine.
Molecular consequence: missense variant.
Genome position (GRCh38, 1-based): chr8:105,803,045, A>C. VCF-style: chr8-105803045-A-C. GRCh37 (hg19) VCF-style: chr8-106815273-A-C.
Other names: c.2804A>C, p.Lys935Thr (NM_001362836.2); c.2567A>C, p.Lys856Thr (NM_001362837.2); c.2963A>C (NM_012082.3); short protein forms K856T, K935T, K988T.
Identifiers: ClinVar variation 1574529 (VCV001574529.11), dbSNP rs139881948, ClinGen allele CA4839995.

ClinVar aggregate classification (germline): Likely benign. Review status: criteria provided, multiple submitters, no conflicts (2 of 4 stars). 3 submissions from 3 submitters: Likely benign (2). 1 of the submissions does not count toward it. Last evaluated 2025-08-18.

Conditions:
46,XY sex reversal 9 (SRXY9). Also called: 46,XY SEX REVERSAL, ZFPM2-RELATED. Identifiers: Orphanet 251510, MedGen C4015129, MONDO:0014480, OMIM 616067.
Diaphragmatic hernia 3 (DIH3). Identifiers: Orphanet 2140, MedGen C1857781, MONDO:0012431, OMIM 610187.
Tetralogy of Fallot (TOF). Identifiers: Orphanet 3303, MedGen C0039685, MONDO:0008542, OMIM 187500, HP:0001636.
ZFPM2-related disorder. Also called: ZFPM2-related condition.

Allele frequency attached by ClinVar (database versions not stated): gnomAD exomes 0.00006 and 0.00017; ExAC 0.00021; ESP Exome Variant Server 0.00059; gnomAD 0.00068 and 0.00073; TOPMed 0.00071; 1000 Genomes Project 30x 0.00156; 1000 Genomes Project 0.00160.
gnomAD v4.1: 193 of 1,613,602 alleles (0.012%); highest among the groups gnomAD compares: African/African-American, 0.24%; no homozygotes.

Submissions (3):

Labcorp Genetics (formerly Invitae), Labcorp
Classification: Likely benign for 46,XY sex reversal 9. Last evaluated: 2025-08-18. Review status: criteria provided, single submitter. Criteria: Invitae Variant Classification Sherloc (09022015). Collection method: clinical testing. Allele origin: germline.

Fulgent Genetics
Classification: Likely benign for Tetralogy of Fallot; Diaphragmatic hernia 3; 46,XY sex reversal 9. Last evaluated: 2021-07-07. Review status: criteria provided, single submitter. Criteria: ACMG Guidelines, 2015. Collection method: clinical testing. Allele origin: unknown.

PreventionGenetics, part of Exact Sciences
Classification: Likely benign for ZFPM2-related condition. Last evaluated: 2019-11-12. Review status: no assertion criteria provided. Collection method: clinical testing. Allele origin: germline. Not counted in ClinVar's aggregate classification.
Comment: This variant is classified as likely benign based on ACMG/AMP sequence variant interpretation guidelines (Richards et al. 2015 PMID: 25741868, with internal and published modifications).